The following is an entry in ClinVar:

ClinVar aggregate classification (germline): Pathogenic (1 of 4 stars; one submission).

Conditions:
Early-infantile DEE. Also called: Ohtahara syndrome; Early infantile epileptic encephalopathy with suppression bursts; Early infantile epileptic encephalopathy. Identifiers: Orphanet 1934, MedGen C0393706, MONDO:0800491.

Submission:

Labcorp Genetics (formerly Invitae), Labcorp
Classification: Pathogenic for Early-infantile DEE. Last evaluated: 2019-02-20. Review status: criteria provided, single submitter. Criteria: Invitae Variant Classification Sherloc (09022015). Collection method: clinical testing. Allele origin: germline.
Comment: For these reasons, this variant has been classified as Pathogenic. Loss-of-function variants in SCN1A are known to be pathogenic (PMID: 17347258, 18930999). This variant has not been reported in the literature in individuals with SCN1A-related conditions. This variant is not present in population databases (ExAC no frequency). This sequence change creates a premature translational stop signal (p.Pro62Leufs*29) in the SCN1A gene. It is expected to result in an absent or disrupted protein product.

Literature cited by the submitters: PubMed 17347258; PubMed 18930999.

NM_001165963.4(SCN1A):c.184_187del (p.Pro62fs)

Gene: SCN1A (sodium voltage-gated channel alpha subunit 1; minus strand). Cytogenetic location: 2q24.3.
Variant type: Deletion.
Coding change: c.184_187del on transcript NM_001165963.4 (MANE Select); coding-DNA positions 184 to 187, 4 bases deleted (CCAT; older notation c.184_187delCCAT).
Protein change: p.Pro62fs; shifts the reading frame from proline 62.
Molecular consequence: frameshift variant. On other transcripts: 5 prime UTR variant (1), non-coding transcript variant (1).
Genome position (GRCh38, 1-based): chr2:166,073,435-166,073,438, ATGG deleted on the plus strand (CCAT on the coding strand, the reverse complement: SCN1A is on the minus strand); deleting any 4 consecutive bases within chr2:166,073,435-166,073,439 gives the same sequence; the c. name uses the placement nearest the transcript's 3' end. VCF-style (leftmost placement, unchanged base first): chr2-166073434-AATGG-A. GRCh37 (hg19) VCF-style: chr2-166929944-AATGG-A.
Other names: c.184_187del, p.Pro62fs (NM_001165964.3, NM_001202435.3, NM_001353948.2 and 10 more transcripts); c.-2242_-2239del (NM_001353961.2); short protein forms P62fs.
Identifiers: ClinVar variation 841107 (VCV000841107.8), dbSNP rs1684673339, ClinGen allele CA916082252.